The following is an entry in ClinVar:

ClinVar aggregate classification (germline): Uncertain significance (1 of 4 stars; one submission).

Conditions:
Peroxisome biogenesis disorder 5A (Zellweger) (PBD5A). Identifiers: Orphanet 912, MedGen C3553940, MONDO:0013932, OMIM 614866.

Submission:

Labcorp Genetics (formerly Invitae), Labcorp
Classification: Uncertain significance for Peroxisome biogenesis disorder 5A (Zellweger). Last evaluated: 2022-06-27. Review status: criteria provided, single submitter. Criteria: Invitae Variant Classification Sherloc (09022015). Collection method: clinical testing. Allele origin: germline.
Comment: This sequence change replaces proline, which is neutral and non-polar, with leucine, which is neutral and non-polar, at codon 292 of the PEX2 protein (p.Pro292Leu). This variant is not present in population databases (gnomAD no frequency). This variant has not been reported in the literature in individuals affected with PEX2-related conditions. Algorithms developed to predict the effect of missense changes on protein structure and function (SIFT, PolyPhen-2, Align-GVGD) all suggest that this variant is likely to be tolerated. In summary, the available evidence is currently insufficient to determine the role of this variant in disease. Therefore, it has been classified as a Variant of Uncertain Significance.

NM_000318.3(PEX2):c.875C>T (p.Pro292Leu)

Gene: PEX2 (peroxisomal biogenesis factor 2; minus strand). Cytogenetic location: 8q21.13.
Variant type: single nucleotide variant.
Coding change: c.875C>T on transcript NM_000318.3 (MANE Select); coding-DNA position 875, C replaced by T.
Protein change: p.Pro292Leu; replaces proline 292 with leucine.
Molecular consequence: missense variant.
Genome position (GRCh38, 1-based): chr8:76,983,304, G>A on the plus strand (C>T on the coding strand, the complement: PEX2 is on the minus strand). VCF-style: chr8-76983304-G-A. GRCh37 (hg19) VCF-style: chr8-77895540-G-A.
Other names: c.875C>T, p.Pro292Leu (NM_001079867.2, NM_001172086.2, NM_001172087.2); short protein forms P292L.
Identifiers: ClinVar variation 1478390 (VCV001478390.5), dbSNP rs2132042879, ClinGen allele CA371556373.
Genomic context (GRCh38, chr8:76,983,304, plus strand): 5'-GGAAGCAATTTTAGTTTCTAAAGAGCATTTACTTCTGACATCTCGATTCCTGATTTCAGT[G>A]GCTGCAGACTGTGTACTTCTGTGCCACACTTAGGACAAGTAAAGTACACGTCAAATAAGA-3'
Protein context (NP_000309.2, residues 282-302): KCGTEVHSLQ[Pro292Leu]LKSGIEMSEV